The following is an entry in ClinVar:

NM_000465.4(BARD1):c.420G>A (p.Lys140=)

Gene: BARD1 (BRCA1 associated RING domain 1; minus strand). Cytogenetic location: 2q35.
Variant type: single nucleotide variant.
Coding change: c.420G>A on transcript NM_000465.4 (MANE Select); coding-DNA position 420, G replaced by A.
Protein change: p.Lys140=; no amino-acid change (lysine 140 retained).
Molecular consequence: synonymous variant. On other transcripts: non-coding transcript variant (2), intron variant (3).
Genome position (GRCh38, 1-based): chr2:214,781,454, C>T on the plus strand (G>A on the coding strand, the complement: BARD1 is on the minus strand). VCF-style: chr2-214781454-C-T. GRCh37 (hg19) VCF-style: chr2-215646178-C-T.
Other names: c.363G>A, p.Lys121= (NM_001282543.2); c.158+27958G>A (NM_001282548.2); c.215+15607G>A (NM_001282545.2); c.364+10843G>A (NM_001282549.2).
Identifiers: ClinVar variation 824681 (VCV000824681.15), dbSNP rs758749603, ClinGen allele CA431136458.

ClinVar aggregate classification (germline): Benign/Likely benign. Review status: criteria provided, multiple submitters, no conflicts (2 of 4 stars). 3 submissions from 3 submitters: Benign (1); Likely benign (2). Last evaluated 2025-08-20.

Conditions:
Hereditary cancer-predisposing syndrome. Also called: Neoplastic Syndromes, Hereditary; Tumor predisposition; Hereditary neoplastic syndrome; Hereditary Cancer Syndrome. Identifiers: Orphanet 140162, MedGen C0027672, MeSH D009386, MONDO:0015356.
Familial cancer of breast. Also called: BREAST CANCER, FAMILIAL; Hereditary breast cancer; hereditary breast carcinoma. Identifiers: Orphanet 227535, MedGen C0346153, MONDO:0016419, OMIM 114480. Disease mechanism: loss of function.

Submissions (3):

Labcorp Genetics (formerly Invitae), Labcorp
Classification: Likely benign for Familial cancer of breast. Last evaluated: 2025-08-20. Review status: criteria provided, single submitter. Criteria: Invitae Variant Classification Sherloc (09022015). Collection method: clinical testing. Allele origin: germline.

Myriad Genetics, Inc.
Classification: Benign for Familial cancer of breast. Last evaluated: 2024-07-19. Review status: criteria provided, single submitter. Criteria: Myriad Autosomal Dominant, Autosomal Recessive and X-Linked Classification Criteria (2023). Collection method: clinical testing. Allele origin: unknown.
Comment: This variant is considered benign. This variant is a silent/synonymous amino acid change and it is not expected to impact splicing.

Ambry Genetics
Classification: Likely benign for Hereditary cancer-predisposing syndrome. Last evaluated: 2019-10-31. Review status: criteria provided, single submitter. Criteria: Ambry Variant Classification Scheme 2023. Collection method: clinical testing. Allele origin: germline.